The following is an entry in ClinVar:

ClinVar aggregate classification (germline): Uncertain significance (1 of 4 stars; one submission).

Conditions:
LEPR-related disorder. Also called: LEPR-related condition; LEPR-related disorders.

gnomAD v4.1: 20 of 1,590,022 alleles (0.0013%); highest among the groups gnomAD compares: South Asian, 0.0044%; no homozygotes.

Submission:

PreventionGenetics, part of Exact Sciences
Classification: Uncertain significance for LEPR-related condition. Last evaluated: 2025-12-30. Review status: criteria provided, single submitter. Criteria: ACMG Guidelines, 2015. Collection method: clinical testing. Allele origin: germline.
Comment: The LEPR c.2678C>T variant is predicted to result in the amino acid substitution p.Thr893Met. This variant is deep intronic in the canonical LEPR transcript (NM_002303:c.2674-3035C>T). To our knowledge, this variant has not been reported in the literature. This variant is reported in 0.0098% of alleles in individuals of South Asian descent in gnomAD. At this time, the clinical significance of this variant is uncertain due to the absence of conclusive functional and genetic evidence.

NM_002303.6(LEPR):c.2674-3035C>T

Gene: LEPR (leptin receptor; plus strand). Cytogenetic location: 1p31.3.
Variant type: single nucleotide variant.
Coding change: c.2674-3035C>T on transcript NM_002303.6 (MANE Select); 3035 bases into the intron before coding-DNA position 2674, C replaced by T.
Molecular consequence: intron variant. On other transcripts: missense variant (2).
Genome position (GRCh38, 1-based): chr1:65,633,156, C>T. VCF-style: chr1-65633156-C-T. GRCh37 (hg19) VCF-style: chr1-66098839-C-T.
Other names: c.2678C>T, p.Thr893Met (NM_001003679.3, NM_001198689.2); short protein forms T893M.
Identifiers: ClinVar variation 3350420 (VCV003350420.2).
Genomic context (GRCh38, chr1:65,633,156, plus strand): 5'-CTTTGTGAGTGATTTTTTATTTTGCTTTCTTATTTTGTTTTATTTTATCTAAACAGAGAA[C>T]GGACATTCTTTGAAGTCTAATCATGATCACTACAGATGAACCCAATGTGCCAACTTCCCA-3'